The following is an entry in ClinVar:

ClinVar aggregate classification (germline): Pathogenic. Review status: criteria provided, single submitter (1 of 4 stars). 3 submissions from 2 submitters: Pathogenic (1). 2 of the submissions do not count toward it. Last evaluated 2018-11-14.

Conditions:
Developmental delay with variable intellectual impairment and behavioral abnormalities. Identifiers: MedGen C5193092, MONDO:0032745, OMIM 618430.
Neurodevelopmental abnormality. Identifiers: MedGen C4022737, HP:0012759.

Submissions (3):

GeneDx
Classification: Pathogenic for Neurodevelopmental abnormality. Last evaluated: 2018-11-14. Review status: criteria provided, single submitter. Criteria: GeneDx Variant Classification (06012015). Collection method: clinical testing. Allele origin: unknown. Affected: yes.

OMIM
Classification: Pathogenic for DEVELOPMENTAL DELAY WITH VARIABLE INTELLECTUAL IMPAIRMENT AND BEHAVIORAL ABNORMALITIES. Last evaluated: 2019-05-20. Review status: no assertion criteria provided. Collection method: literature only. Allele origin: germline. Not counted in ClinVar's aggregate classification.

GeneDx
Classification: Pathogenic. Last evaluated: 2019-09-10. Review status: flagged submission. Criteria: GeneDx Variant Classification (06012015). Collection method: clinical testing. Allele origin: germline. Affected: yes. Not counted in ClinVar's aggregate classification.
Comment: The Q654X variant in the TCF20 gene has been observed in internal GeneDx whole exome sequencing data in association with intellectual disability, developmental delay, autism spectrum disorder, hyperactivity, and neurologic abnormalities. This variant is predicted to cause loss of normal protein function either through protein truncation or nonsense-mediated mRNA decay. The Q654X variant is not observed in large population cohorts (Lek et al., 2016). Therefore, we interpret Q654X as a pathogenic variant.
ClinVar note: Reason: This record appears to be redundant with a more recent record from the same submitter.
ClinVar note: Notes: SCV000890383 appears to be redundant with SCV000854581.

Literature cited by the submitters: PubMed 30739909 (cited by OMIM).

NM_001378418.1(TCF20):c.1960C>T (p.Gln654Ter)

Gene: TCF20 (transcription factor 20; minus strand). Cytogenetic location: 22q13.2.
Variant type: single nucleotide variant.
Coding change: c.1960C>T on transcript NM_001378418.1 (MANE Select); coding-DNA position 1960, C replaced by T.
Protein change: p.Gln654Ter; replaces glutamine 654 with a stop codon.
Molecular consequence: nonsense.
Genome position (GRCh38, 1-based): chr22:42,213,346, G>A on the plus strand (C>T on the coding strand, the complement: TCF20 is on the minus strand). VCF-style: chr22-42213346-G-A. GRCh37 (hg19) VCF-style: chr22-42609352-G-A.
Other names: c.1960C>T, p.Gln654Ter (NM_005650.4, NM_181492.3); short protein forms Q654*.
Identifiers: ClinVar variation 599641 (VCV000599641.5), dbSNP rs1569150885, ClinGen allele CA411789710.
Genomic context (GRCh38, chr22:42,213,346, plus strand): 5'-TGGAGTTGTTATCGCCATTCTTGTTTCCTTTGCTCCCTCCTCCTCCTGGAGGCTCTGGCT[G>A]GGGAAGTGATGCATGACTGGTTTCCTTTGCCCCACCATTGCTAGGTGGCCTTTGAGTGGC-3'